The following is an entry in ClinVar:

ClinVar aggregate classification (germline): Uncertain significance (1 of 4 stars; one submission).

Allele frequency attached by ClinVar (database versions not stated): ExAC 0.00001; gnomAD 0.00001; 1000 Genomes Project 30x 0.00016; 1000 Genomes Project 0.00020.
gnomAD v4.1: 8 of 1,614,150 alleles (0.0005%); highest among the groups gnomAD compares: African/African-American, 0.0027%; no homozygotes.

Submission:

Labcorp Genetics (formerly Invitae), Labcorp
Classification: Uncertain significance. Last evaluated: 2022-11-08. Review status: criteria provided, single submitter. Criteria: Invitae Variant Classification Sherloc (09022015). Collection method: clinical testing. Allele origin: germline.
Comment: This sequence change replaces alanine, which is neutral and non-polar, with threonine, which is neutral and polar, at codon 214 of the ZBTB18 protein (p.Ala214Thr). This variant is present in population databases (rs201655512, gnomAD 0.007%). This variant has not been reported in the literature in individuals affected with ZBTB18-related conditions. Advanced modeling of protein sequence and biophysical properties (such as structural, functional, and spatial information, amino acid conservation, physicochemical variation, residue mobility, and thermodynamic stability) performed at Invitae indicates that this missense variant is not expected to disrupt ZBTB18 protein function. In summary, the available evidence is currently insufficient to determine the role of this variant in disease. Therefore, it has been classified as a Variant of Uncertain Significance.

NM_205768.3(ZBTB18):c.640G>A (p.Ala214Thr)

Gene: ZBTB18 (zinc finger and BTB domain containing 18; plus strand). Cytogenetic location: 1q44.
Variant type: single nucleotide variant.
Coding change: c.640G>A on transcript NM_205768.3 (MANE Select); coding-DNA position 640, G replaced by A.
Protein change: p.Ala214Thr; replaces alanine 214 with threonine.
Molecular consequence: missense variant.
Genome position (GRCh38, 1-based): chr1:244,054,414, G>A. VCF-style: chr1-244054414-G-A. GRCh37 (hg19) VCF-style: chr1-244217716-G-A.
Other names: c.613G>A, p.Ala205Thr (NM_001278196.2, NM_006352.5); short protein forms A214T, A205T.
Identifiers: ClinVar variation 2088055 (VCV002088055.4), dbSNP rs201655512, ClinGen allele CA1484330.
Genomic context (GRCh38, chr1:244,054,414, plus strand): 5'-ATGCGATTGCCCTCAGACTCAGCAGGCATCCCCCAGGCTGGCGGAGAGGCAGAGCCACAC[G>A]CCACAGCAGCTGGAAAAACAGTAGCCAGCCCCTGCAGCTCAACAGAGTCTTTGTCCCAGA-3'
Protein context (NP_991331.1, residues 204-224): PQAGGEAEPH[Ala214Thr]TAAGKTVASP